The following is an entry in ClinVar:

ClinVar aggregate classification (germline): Likely pathogenic (1 of 4 stars; one submission).

Conditions:
Noonan syndrome 1 (NS1). Also called: FEMALE PSEUDO-TURNER SYNDROME; TURNER PHENOTYPE WITH NORMAL KARYOTYPE; PTPN11-Related Noonan Syndrome. Identifiers: Orphanet 648, MedGen C4551602, MONDO:0008104, OMIM 163950. Disease mechanism: gain of function.

Submission:

Greenwood Genetic Center Diagnostic Laboratories, Greenwood Genetic Center
Classification: Likely pathogenic for Noonan syndrome 1. Last evaluated: 2023-10-26. Review status: criteria provided, single submitter. Criteria: ACMG Guidelines, 2015. Collection method: clinical testing. Allele origin: germline. Affected: yes.
Comment: PS2, PM2, PP3

NM_002834.5(PTPN11):c.1187A>G (p.Tyr396Cys)

Gene: PTPN11 (protein tyrosine phosphatase non-receptor type 11; plus strand). Cytogenetic location: 12q24.13.
Variant type: single nucleotide variant.
Coding change: c.1187A>G on transcript NM_002834.5 (MANE Select); coding-DNA position 1187, A replaced by G.
Protein change: p.Tyr396Cys; replaces tyrosine 396 with cysteine.
Molecular consequence: missense variant.
Genome position (GRCh38, 1-based): chr12:112,482,168, A>G. VCF-style: chr12-112482168-A-G. GRCh37 (hg19) VCF-style: chr12-112919972-A-G.
Other names: c.1187A>G, p.Tyr396Cys (NM_001330437.2, NM_080601.3); c.1184A>G, p.Tyr395Cys (NM_001374625.1); short protein forms Y395C, Y396C.
Identifiers: ClinVar variation 2692574 (VCV002692574.1), dbSNP rs2540457138, ClinGen allele CA386775988.